The following is an entry in ClinVar:

NM_024675.4(PALB2):c.1931G>A (p.Gly644Glu)

Gene: PALB2 (partner and localizer of BRCA2; minus strand). Cytogenetic location: 16p12.2.
Variant type: single nucleotide variant.
Coding change: c.1931G>A on transcript NM_024675.4 (MANE Select); coding-DNA position 1931, G replaced by A.
Protein change: p.Gly644Glu; replaces glycine 644 with glutamic acid.
Molecular consequence: missense variant.
Genome position (GRCh38, 1-based): chr16:23,630,223, C>T on the plus strand (G>A on the coding strand, the complement: PALB2 is on the minus strand). VCF-style: chr16-23630223-C-T. GRCh37 (hg19) VCF-style: chr16-23641544-C-T.
Other names: short protein forms G644E.
Identifiers: ClinVar variation 225854 (VCV000225854.5), dbSNP rs875989794, ClinGen allele CA10576112.

ClinVar aggregate classification (germline): Uncertain significance. Review status: criteria provided, multiple submitters, no conflicts (2 of 4 stars). 2 submissions from 2 submitters: Uncertain significance (2). Last evaluated 2023-07-10.

Conditions:
Hereditary cancer-predisposing syndrome. Also called: Tumor predisposition; Hereditary neoplastic syndrome; Neoplastic Syndromes, Hereditary; Hereditary Cancer Syndrome. Identifiers: Orphanet 140162, MedGen C0027672, MeSH D009386, MONDO:0015356.
Familial cancer of breast. Also called: hereditary breast carcinoma; BREAST CANCER, FAMILIAL; Hereditary breast cancer. Identifiers: Orphanet 227535, MedGen C0346153, MONDO:0016419, OMIM 114480. Disease mechanism: loss of function.

Submissions (2):

Ambry Genetics
Classification: Uncertain significance for Hereditary cancer-predisposing syndrome. Last evaluated: 2023-07-10. Review status: criteria provided, single submitter. Criteria: Ambry Variant Classification Scheme 2023. Collection method: clinical testing. Allele origin: germline.
Comment: The p.G644E variant (also known as c.1931G>A), located in coding exon 5 of the PALB2 gene, results from a G to A substitution at nucleotide position 1931. The glycine at codon 644 is replaced by glutamic acid, an amino acid with similar properties. This amino acid position is not well conserved in available vertebrate species. In addition, this alteration is predicted to be tolerated by in silico analysis. Since supporting evidence is limited at this time, the clinical significance of this alteration remains unclear.

Cancer Genetics Laboratory, Peter MacCallum Cancer Centre
Classification: Uncertain significance for Familial cancer of breast. Last evaluated: 2015-06-01. Review status: criteria provided, single submitter. Criteria: Thompson et al. (Breast Cancer Res. 2015). Collection method: case-control. Allele origin: germline. Affected: no. Observed: 1 variant allele, 1 heterozygote.